The following is an entry in ClinVar:

NM_182961.4(SYNE1):c.17912C>G (p.Ser5971Cys)

Gene: SYNE1 (spectrin repeat containing nuclear envelope protein 1; minus strand). Cytogenetic location: 6q25.2.
Variant type: single nucleotide variant.
Coding change: c.17912C>G on transcript NM_182961.4 (MANE Select); coding-DNA position 17912, C replaced by G.
Protein change: p.Ser5971Cys; replaces serine 5971 with cysteine.
Molecular consequence: missense variant.
Genome position (GRCh38, 1-based): chr6:152,293,688, G>C on the plus strand (C>G on the coding strand, the complement: SYNE1 is on the minus strand). VCF-style: chr6-152293688-G-C. GRCh37 (hg19) VCF-style: chr6-152614823-G-C.
Other names: c.17699C>G, p.Ser5900Cys (NM_033071.5); short protein forms S5900C, S5971C.
Identifiers: ClinVar variation 951971 (VCV000951971.9), dbSNP rs753835774, ClinGen allele CA4055097.

ClinVar aggregate classification (germline): Uncertain significance (1 of 4 stars; one submission).

Conditions:
Autosomal recessive ataxia, Beauce type. Also called: Spinocerebellar ataxia, autosomal recessive 8; ATAXIA, RECESSIVE, OF BEAUCE; SYNE1-Related Autosomal Recessive Cerebellar Ataxia; SYNE1 Deficiency. Identifiers: Orphanet 88644, MedGen C1853116, MONDO:0012549, OMIM 610743.
Emery-Dreifuss muscular dystrophy 4, autosomal dominant (EDMD4). Also called: EMERY-DREIFUSS MUSCULAR DYSTROPHY 4 WITH VARIABLE FEATURES. Identifiers: Orphanet 261, MedGen C2751807, MONDO:0013071, OMIM 612998.

Allele frequency attached by ClinVar (database versions not stated): gnomAD exomes below 0.00001 and 0.00001; ExAC 0.00002.
gnomAD v4.1: 6 of 1,614,158 alleles (0.00037%); highest among the groups gnomAD compares: South Asian, 0.0066%; no homozygotes.

Submission:

Labcorp Genetics (formerly Invitae), Labcorp
Classification: Uncertain significance for Emery-Dreifuss muscular dystrophy 4, autosomal dominant; Autosomal recessive ataxia, Beauce type. Last evaluated: 2022-03-23. Review status: criteria provided, single submitter. Criteria: Invitae Variant Classification Sherloc (09022015). Collection method: clinical testing. Allele origin: germline.
Comment: This variant has not been reported in the literature in individuals affected with SYNE1-related conditions. This variant is present in population databases (rs753835774, gnomAD 0.006%). This sequence change replaces serine, which is neutral and polar, with cysteine, which is neutral and slightly polar, at codon 5900 of the SYNE1 protein (p.Ser5900Cys). ClinVar contains an entry for this variant (Variation ID: 951971). Algorithms developed to predict the effect of missense changes on protein structure and function output the following: SIFT: "Deleterious"; PolyPhen-2: "Benign"; Align-GVGD: "Class C25". The cysteine amino acid residue is found in multiple mammalian species, which suggests that this missense change does not adversely affect protein function. In summary, the available evidence is currently insufficient to determine the role of this variant in disease. Therefore, it has been classified as a Variant of Uncertain Significance.